The following is an entry in ClinVar:

NM_001110556.2(FLNA):c.5557+12C>T

Gene: FLNA (filamin A; minus strand). Cytogenetic location: Xq28.
Variant type: single nucleotide variant.
Coding change: c.5557+12C>T on transcript NM_001110556.2 (MANE Select); 12 bases into the intron after coding-DNA position 5557, C replaced by T.
Molecular consequence: intron variant.
Genome position (GRCh38, 1-based): chrX:154,354,139, G>A on the plus strand (C>T on the coding strand, the complement: FLNA is on the minus strand). VCF-style: chrX-154354139-G-A. GRCh37 (hg19) VCF-style: chrX-153582507-G-A.
Other names: c.5533+12C>T (NM_001456.4).
Identifiers: ClinVar variation 514477 (VCV000514477.1), dbSNP rs1414920171, ClinGen allele CA658799922.

ClinVar aggregate classification (germline): Likely benign (1 of 4 stars; one submission).

Submission:

GeneDx
Classification: Likely benign. Last evaluated: 2018-01-08. Review status: criteria provided, single submitter. Criteria: GeneDx Variant Classification (06012015). Collection method: clinical testing. Allele origin: germline. Affected: yes.
Comment: This variant is considered likely benign or benign based on one or more of the following criteria: it is a conservative change, it occurs at a poorly conserved position in the protein, it is predicted to be benign by multiple in silico algorithms, and/or has population frequency not consistent with disease.